The following is an entry in ClinVar:

NM_024105.4(ALG12):c.757T>C (p.Ser253Pro)

Gene: ALG12 (ALG12 alpha-1,6-mannosyltransferase; minus strand). Cytogenetic location: 22q13.33.
Variant type: single nucleotide variant.
Coding change: c.757T>C on transcript NM_024105.4 (MANE Select); coding-DNA position 757, T replaced by C.
Protein change: p.Ser253Pro; replaces serine 253 with proline.
Molecular consequence: missense variant.
Genome position (GRCh38, 1-based): chr22:49,909,255, A>G on the plus strand (T>C on the coding strand, the complement: ALG12 is on the minus strand). VCF-style: chr22-49909255-A-G. GRCh37 (hg19) VCF-style: chr22-50302903-A-G.
Other names: short protein forms S253P.
Identifiers: ClinVar variation 2015092 (VCV002015092.4), dbSNP rs1355769635, ClinGen allele CA412074519.
Genomic context (GRCh38, chr22:49,909,255, plus strand): 5'-TGGCTGCAGGTCCCACCCATCGCCCTCCTGCACGGACACTGAAGGATACCCCCCAGTTGG[A>G]GCTTTTGTTCAGGACAGTGTTGTACCAAAGCACCTTTCCTTCCGGCCAAGTGAGCTGCCG-3'
Protein context (NP_077010.1, residues 243-263): LWYNTVLNKS[Ser253Pro]NWGTSPLLWY

ClinVar aggregate classification (germline): Uncertain significance (1 of 4 stars; one submission).

Conditions:
ALG12-congenital disorder of glycosylation (CDG1G). Also called: CDG Ig; Congenital disorder of glycosylation, type Ig; ALG12-CDG. Identifiers: Orphanet 79324, MedGen C2931001, MONDO:0011783, OMIM 607143.

Allele frequency attached by ClinVar (database versions not stated): gnomAD exomes below 0.00001.
gnomAD v4.1: 1 of 1,614,220 alleles (0.000062%); highest among the groups gnomAD compares: Admixed American, 0.0017%; no homozygotes.

Submission:

Labcorp Genetics (formerly Invitae), Labcorp
Classification: Uncertain significance for ALG12-congenital disorder of glycosylation. Last evaluated: 2022-07-08. Review status: criteria provided, single submitter. Criteria: Invitae Variant Classification Sherloc (09022015). Collection method: clinical testing. Allele origin: germline.
Comment: This variant is present in population databases (no rsID available, gnomAD 0.003%). In summary, the available evidence is currently insufficient to determine the role of this variant in disease. Therefore, it has been classified as a Variant of Uncertain Significance. Algorithms developed to predict the effect of missense changes on protein structure and function are either unavailable or do not agree on the potential impact of this missense change (SIFT: "Tolerated"; PolyPhen-2: "Probably Damaging"; Align-GVGD: "Class C0"). This variant has not been reported in the literature in individuals affected with ALG12-related conditions. This sequence change replaces serine, which is neutral and polar, with proline, which is neutral and non-polar, at codon 253 of the ALG12 protein (p.Ser253Pro).